The following is an entry in ClinVar:

ClinVar aggregate classification (germline): Conflicting classifications of pathogenicity. Review status: criteria provided, conflicting classifications (1 of 4 stars). 3 submissions from 3 submitters: Uncertain significance (1); Likely benign (2). Last evaluated 2024-08-03.

Conditions:
Hereditary cancer-predisposing syndrome. Also called: Tumor predisposition; Neoplastic Syndromes, Hereditary; Hereditary Cancer Syndrome; Hereditary neoplastic syndrome. Identifiers: Orphanet 140162, MedGen C0027672, MeSH D009386, MONDO:0015356.

Allele frequency attached by ClinVar (database versions not stated): gnomAD exomes below 0.00001; TOPMed below 0.00001.
gnomAD v4.1: 3 of 1,614,140 alleles (0.00019%); highest among the groups gnomAD compares: Non-Finnish European, 0.00017%; no homozygotes.

Submissions (3):

Labcorp Genetics (formerly Invitae), Labcorp
Classification: Likely benign. Last evaluated: 2024-08-03. Review status: criteria provided, single submitter. Criteria: Invitae Variant Classification Sherloc (09022015). Collection method: clinical testing. Allele origin: germline.

Sema4
Classification: Uncertain significance for Hereditary cancer-predisposing syndrome. Last evaluated: 2021-10-29. Review status: criteria provided, single submitter. Criteria: Sema4 Curation Guidelines. Collection method: curation. Allele origin: germline.
Comment: The MSH3 c.1203G>T (p.V401= ) variant has not been reported in the literature to our knowledge. This variant was observed in 1/113648 chromosomes in the Non-Finnish European subpopulation in the large and broad cohorts of the Genome Aggregation Database (PMID: 32461654). This variant has been reported in ClinVar (Variation ID: 759669). In silico tools suggest the variant may potentially have an impact on splicing, though these predictions have not been confirmed by functional studies. The evidence is insufficient to meet ACMG/AMP criteria for classifying the variant as benign or pathogenic. Thus, the clinical significance of this variant is currently uncertain.

Ambry Genetics
Classification: Likely benign for Hereditary cancer-predisposing syndrome. Last evaluated: 2018-09-13. Review status: criteria provided, single submitter. Criteria: Ambry Variant Classification Scheme 2023. Collection method: clinical testing. Allele origin: germline.

NM_002439.5(MSH3):c.1203G>T (p.Val401=)

Gene: MSH3 (mutS homolog 3; plus strand). Cytogenetic location: 5q14.1.
Variant type: single nucleotide variant.
Coding change: c.1203G>T on transcript NM_002439.5 (MANE Select); coding-DNA position 1203, G replaced by T.
Protein change: p.Val401=; no amino-acid change (valine 401 retained).
Molecular consequence: synonymous variant.
Genome position (GRCh38, 1-based): chr5:80,678,956, G>T. VCF-style: chr5-80678956-G-T. GRCh37 (hg19) VCF-style: chr5-79974775-G-T.
Identifiers: ClinVar variation 759669 (VCV000759669.16), dbSNP rs1414371236, ClinGen allele CA445160802.